The following is an entry in ClinVar:

ClinVar aggregate classification (germline): Benign (1 of 4 stars; one submission).

Submission:

GeneDx
Classification: Benign. Last evaluated: 2018-06-16. Review status: criteria provided, single submitter. Criteria: GeneDx Variant Classification (06012015). Collection method: clinical testing. Allele origin: germline. Affected: yes.
Comment: This variant is considered likely benign or benign based on one or more of the following criteria: it is a conservative change, it occurs at a poorly conserved position in the protein, it is predicted to be benign by multiple in silico algorithms, and/or has population frequency not consistent with disease.

NM_004369.4(COL6A3):c.6966+105_6966+106del

Gene: COL6A3 (collagen type VI alpha 3 chain; minus strand). Cytogenetic location: 2q37.3.
Variant type: Deletion.
Coding change: c.6966+105_6966+106del on transcript NM_004369.4 (MANE Select); bases 105 to 106 of the intron after coding-DNA position 6966, 2 bases deleted (AC; older notation c.6966+105_6966+106delAC).
Molecular consequence: intron variant.
Genome position (GRCh38, 1-based): chr2:237,348,243-237,348,244, GT deleted on the plus strand (AC on the coding strand, the reverse complement: COL6A3 is on the minus strand); deleting any 2 consecutive bases within chr2:237,348,243-237,348,245 gives the same sequence; the c. name uses the placement nearest the transcript's 3' end. VCF-style (leftmost placement, unchanged base first): chr2-237348242-AGT-A. GRCh37 (hg19) VCF-style: chr2-238256885-AGT-A.
Other names: c.5145+105_5145+106del (NM_057166.5); c.6348+105_6348+106del (NM_057167.4).
Identifiers: ClinVar variation 677539 (VCV000677539.1), dbSNP rs71905592, ClinGen allele CA67844046.